The following is an entry in ClinVar:

ClinVar aggregate classification (germline): Likely benign. Review status: criteria provided, single submitter (1 of 4 stars). 2 submissions from 2 submitters: Likely benign (1). 1 of the submissions does not count toward it. Last evaluated 2026-01-12.

Conditions:
WRN-related disorder. Also called: WRN-related condition.
Werner syndrome (WRN). Identifiers: Orphanet 902, MedGen C0043119, MONDO:0010196, OMIM 277700.

Allele frequency attached by ClinVar (database versions not stated): gnomAD 0.00001 and 0.00002; gnomAD exomes 0.00001; ExAC 0.00002; TOPMed 0.00002; 1000 Genomes Project 30x 0.00016; 1000 Genomes Project 0.00020.

Submissions (2):

Labcorp Genetics (formerly Invitae), Labcorp
Classification: Likely benign for Werner syndrome. Last evaluated: 2026-01-12. Review status: criteria provided, single submitter. Criteria: Invitae Variant Classification Sherloc (09022015). Collection method: clinical testing. Allele origin: germline.

PreventionGenetics, part of Exact Sciences
Classification: Likely benign for WRN-related condition. Last evaluated: 2022-04-04. Review status: no assertion criteria provided. Collection method: clinical testing. Allele origin: germline. Not counted in ClinVar's aggregate classification.
Comment: This variant is classified as likely benign based on ACMG/AMP sequence variant interpretation guidelines (Richards et al. 2015 PMID: 25741868, with internal and published modifications).

NM_000553.6(WRN):c.3205T>C (p.Leu1069=)

Gene: WRN (WRN RecQ like helicase; plus strand). Cytogenetic location: 8p12.
Variant type: single nucleotide variant.
Coding change: c.3205T>C on transcript NM_000553.6 (MANE Select); coding-DNA position 3205, T replaced by C.
Protein change: p.Leu1069=; no amino-acid change (leucine 1069 retained).
Molecular consequence: synonymous variant.
Genome position (GRCh38, 1-based): chr8:31,141,747, T>C. VCF-style: chr8-31141747-T-C. GRCh37 (hg19) VCF-style: chr8-30999263-T-C.
Identifiers: ClinVar variation 528185 (VCV000528185.13), dbSNP rs369044109, ClinGen allele CA4704960.
Genomic context (GRCh38, chr8:31,141,747, plus strand): 5'-AATTGGCTTCATAAAGCTAATACAGAATCTCAGAGCCTCATCCTTCAAGCTAATGAAGAA[T>C]TGTGTCCAAAGAAGTTGCTTCTGCCTAGGTTCATTTTTCAGTTTTTTTCTTGTAACTTCT-3'
Protein context (NP_000544.2, residues 1059-1079): QSLILQANEE[Leu1069=]CPKKLLLPSS